The following is an entry in ClinVar:

ClinVar aggregate classification (germline): Conflicting classifications of pathogenicity. Review status: criteria provided, conflicting classifications (1 of 4 stars). 4 submissions from 4 submitters: Uncertain significance (1); Likely benign (2). 1 of the submissions does not count toward it. Last evaluated 2026-02-01.

Conditions:
Inborn genetic diseases. Identifiers: MedGen C0950123, MeSH D030342.

Allele frequency attached by ClinVar (database versions not stated): gnomAD 0.00002; ExAC 0.00004; gnomAD exomes 0.00005 and 0.00006; TOPMed 0.00005.

Submissions (4):

CeGaT Center for Human Genetics Tuebingen
Classification: Likely benign. Last evaluated: 2026-02-01. Review status: criteria provided, single submitter. Criteria: CeGaT Center For Human Genetics Tuebingen Variant Classification Criteria Version 2. Collection method: clinical testing. Allele origin: germline. Affected: yes. Observed: 2 variant alleles.
Comment: POGZ: BP4, BS2

Ambry Genetics
Classification: Likely benign for Inborn genetic diseases. Last evaluated: 2025-07-03. Review status: criteria provided, single submitter. Criteria: Ambry Variant Classification Scheme 2023. Collection method: clinical testing. Allele origin: germline.

Breakthrough Genomics
Classification: Uncertain significance. Review status: criteria provided, single submitter. Criteria: ACMG Guidelines, 2015. Collection method: not provided. Allele origin: germline. Inheritance: Autosomal dominant inheritance. Affected: yes.

Department of Pathology and Laboratory Medicine, Sinai Health System
Classification: Uncertain significance. Review status: no assertion criteria provided. Collection method: clinical testing. Allele origin: unknown. Affected: yes. Study: The Canadian Open Genetics Repository (COGR). Not counted in ClinVar's aggregate classification.
Comment: The POGZ p.Pro196Ser variant was not identified in the literature nor was it identified in ClinVar, Cosmic or LOVD 3.0. The variant was identified in dbSNP (ID: rs761129846) and was found in control databases in 15 of 251078 chromosomes at a frequency of 0.00006 (Genome Aggregation Database Feb 27, 2017). The variant was observed in the following populations: Ashkenazi Jewish in 1 of 10074 chromosomes (freq: 0.000099), European (non-Finnish) in 11 of 113382 chromosomes (freq: 0.000097), Latino in 2 of 34592 chromosomes (freq: 0.000058) and South Asian in 1 of 30614 chromosomes (freq: 0.000033), while the variant was not observed in the African, East Asian, European (Finnish) and Other populations. The variant occurs outside of the splicing consensus sequence and 3 of 4 in silico or computational prediction software programs (SpliceSiteFinder, MaxEntScan, GeneSplicer) predict no difference in splicing. The p.Pro196 residue is conserved in mammals and computational analyses (PolyPhen-2, SIFT, AlignGVGD, BLOSUM, MutationTaster) provide inconsistent predictions regarding the impact to the protein; this information is not very predictive of pathogenicity. In summary, based on the above information the clinical significance of this variant cannot be determined with certainty at this time. This variant is classified as a variant of uncertain significance.

NM_015100.4(POGZ):c.871C>T (p.Pro291Ser)

Gene: POGZ (pogo transposable element derived with ZNF domain; minus strand). Cytogenetic location: 1q21.3.
Variant type: single nucleotide variant.
Coding change: c.871C>T on transcript NM_015100.4 (MANE Select); coding-DNA position 871, C replaced by T.
Protein change: p.Pro291Ser; replaces proline 291 with serine.
Molecular consequence: missense variant. On other transcripts: intron variant (2).
Genome position (GRCh38, 1-based): chr1:151,428,030, G>A on the plus strand (C>T on the coding strand, the complement: POGZ is on the minus strand). VCF-style: chr1-151428030-G-A. GRCh37 (hg19) VCF-style: chr1-151400506-G-A.
Other names: c.871C>T (NM_015100.3); c.586C>T, p.Pro196Ser (NM_145796.4); c.712C>T, p.Pro238Ser (NM_207171.2); c.701-16C>T (NM_001194938.2); c.860-16C>T (NM_001194937.2); short protein forms P196S, P238S, P291S.
Identifiers: ClinVar variation 1050612 (VCV001050612.21), dbSNP rs761129846, ClinGen allele CA1091542.